The following is an entry in ClinVar:

NM_033380.3(COL4A5):c.3481G>A (p.Gly1161Arg)

Gene: COL4A5 (collagen type IV alpha 5 chain; plus strand). Cytogenetic location: Xq22.3.
Variant type: single nucleotide variant.
Coding change: c.3481G>A on transcript NM_033380.3 (MANE Select); coding-DNA position 3481, G replaced by A.
Protein change: p.Gly1161Arg; replaces glycine 1161 with arginine.
Molecular consequence: missense variant.
Genome position (GRCh38, 1-based): chrX:108,666,522, G>A. VCF-style: chrX-108666522-G-A. GRCh37 (hg19) VCF-style: chrX-107909752-G-A.
Other names: c.3481G>A, p.Gly1161Arg (NM_000495.5); short protein forms G1161R.
Identifiers: ClinVar variation 1455643 (VCV001455643.5), dbSNP rs104886235, ClinGen allele CA258874.

ClinVar aggregate classification (germline): Pathogenic (1 of 4 stars; one submission).

Allele frequency attached by ClinVar (database versions not stated): gnomAD exomes below 0.00001.
gnomAD v4.1: 1 of 1,207,939 alleles (0.000083%); highest among the groups gnomAD compares: Non-Finnish European, 0.00011%; no homozygotes.

Submission:

Labcorp Genetics (formerly Invitae), Labcorp
Classification: Pathogenic. Last evaluated: 2021-09-21. Review status: criteria provided, single submitter. Criteria: Invitae Variant Classification Sherloc (09022015). Collection method: clinical testing. Allele origin: germline.
Comment: This variant disrupts the triple helix domain of COL4A5. Glycine residues within the Gly-Xaa-Yaa repeats of the triple helix domain are required for the structure and stability of fibrillar collagens (PMID: 7695699, 8218237, 19344236). In COL4A5, missense variants at these glycine residues are significantly enriched in individuals with disease (PMID: 23720012, 27627812) compared to the general population (ExAC). For these reasons, this variant has been classified as Pathogenic. Advanced modeling of protein sequence and biophysical properties (such as structural, functional, and spatial information, amino acid conservation, physicochemical variation, residue mobility, and thermodynamic stability) performed at Invitae indicates that this missense variant is expected to disrupt COL4A5 protein function. This sequence change replaces glycine with arginine at codon 1161 of the COL4A5 protein (p.Gly1161Arg). The glycine residue is highly conserved and there is a moderate physicochemical difference between glycine and arginine. This variant is not present in population databases (ExAC no frequency). This missense change has been observed in individual(s) with clinical features of Alport syndrome (PMID: 10094548; Invitae). It has also been observed to segregate with disease in related individuals. ClinVar contains an entry for this variant (Variation ID: 24636).

Literature cited by the submitters: PubMed 7695699; PubMed 8218237; PubMed 19344236; PubMed 23720012; PubMed 27627812; PubMed 10094548.